The following is an entry in ClinVar:

NM_005235.3(ERBB4):c.443A>G (p.Tyr148Cys)

Gene: ERBB4 (erb-b2 receptor tyrosine kinase 4; minus strand). Cytogenetic location: 2q34.
Variant type: single nucleotide variant.
Coding change: c.443A>G on transcript NM_005235.3 (MANE Select); coding-DNA position 443, A replaced by G.
Protein change: p.Tyr148Cys; replaces tyrosine 148 with cysteine.
Molecular consequence: missense variant.
Genome position (GRCh38, 1-based): chr2:211,788,138, T>C on the plus strand (A>G on the coding strand, the complement: ERBB4 is on the minus strand). VCF-style: chr2-211788138-T-C. GRCh37 (hg19) VCF-style: chr2-212652863-T-C.
Other names: c.443A>G, p.Tyr148Cys (NM_001042599.2); short protein forms Y148C.
Identifiers: ClinVar variation 3613614 (VCV003613614.2).

ClinVar aggregate classification (germline): Uncertain significance (1 of 4 stars; one submission).

Submission:

Labcorp Genetics (formerly Invitae), Labcorp
Classification: Uncertain significance. Last evaluated: 2024-06-19. Review status: criteria provided, single submitter. Criteria: Invitae Variant Classification Sherloc (09022015). Collection method: clinical testing. Allele origin: germline.
Comment: This sequence change replaces tyrosine, which is neutral and polar, with cysteine, which is neutral and slightly polar, at codon 148 of the ERBB4 protein (p.Tyr148Cys). This variant is present in population databases (rs748490399, gnomAD 0.007%). This variant has not been reported in the literature in individuals affected with ERBB4-related conditions. Advanced modeling of protein sequence and biophysical properties (such as structural, functional, and spatial information, amino acid conservation, physicochemical variation, residue mobility, and thermodynamic stability) performed at Invitae indicates that this missense variant is not expected to disrupt ERBB4 protein function with a negative predictive value of 80%. In summary, the available evidence is currently insufficient to determine the role of this variant in disease. Therefore, it has been classified as a Variant of Uncertain Significance.